The following is an entry in ClinVar:

ClinVar aggregate classification (germline): Pathogenic. Review status: criteria provided, multiple submitters, no conflicts (2 of 4 stars). 7 submissions from 7 submitters: Pathogenic (6). 1 of the submissions does not count toward it. Last evaluated 2026-06-12.

Conditions:
EFNB1-related disorders.
Common craniosynostosis syndromes.
Craniofrontonasal syndrome (CFNS). Also called: CRANIOFRONTONASAL DYSOSTOSIS. Identifiers: Orphanet 1520, MedGen C0220767, MONDO:0010570, OMIM 304110.

Submissions (7):

Genetics Laboratory, Great Ormond Street Hospital NHS Foundation Trust, North Thames Genomic Laboratory Hub
Classification: Pathogenic for Common craniosynostosis syndromes. Last evaluated: 2026-06-12. Review status: criteria provided, single submitter. Criteria: ACGS Best Practice Guidelines for Variant Classification in Rare Disease 2024 v1.2. Collection method: clinical testing. Allele origin: germline. Affected: yes.
Comment: PS4_moderate, PM2_moderate, PP3_supporting, PP1_supporting, PS2_strong

Dasa
Classification: Pathogenic. Last evaluated: 2026-04-07. Review status: criteria provided, single submitter. Criteria: DASA Assertion Criteria. Collection method: clinical testing. Allele origin: germline.
Comment: NM_004429.5(EFNB1):c.451G>A (p.Gly151Ser) is a missense variant that results in the substitution of glycine with serine. The affected residue or protein region has prior evidence supporting clinical relevance. Segregation evidence has been reported in affected families. This variant has been recurrently observed in individuals with related phenotype (PMID: 27194971; PMID: 15166289). Multiple computational predictions support a deleterious effect on the gene or gene product. The variant is present at low frequency in population datasets. Based on the available data, this variant is classified as pathogenic.

Labcorp Genetics (formerly Invitae), Labcorp
Classification: Pathogenic. Last evaluated: 2025-12-08. Review status: criteria provided, single submitter. Criteria: Invitae Variant Classification Sherloc (09022015). Collection method: clinical testing. Allele origin: germline.
Comment: This sequence change replaces glycine, which is neutral and non-polar, with serine, which is neutral and polar, at codon 151 of the EFNB1 protein (p.Gly151Ser). This variant is not present in population databases (gnomAD no frequency). This missense change has been observed in individual(s) with craniofrontonasal syndrome (PMID: 15166289, 25486017, 27194971). In at least one individual the variant was observed to be de novo. It has also been observed to segregate with disease in related individuals. ClinVar contains an entry for this variant (Variation ID: 11709). Invitae Evidence Modeling of protein sequence and biophysical properties (such as structural, functional, and spatial information, amino acid conservation, physicochemical variation, residue mobility, and thermodynamic stability) indicates that this missense variant is expected to disrupt EFNB1 protein function with a positive predictive value of 80%. For these reasons, this variant has been classified as Pathogenic.

Blueprint Genetics
Classification: Pathogenic for EFNB1-related disorders. Last evaluated: 2021-07-05. Review status: criteria provided, single submitter. Criteria: ACMG Guidelines, 2015. Collection method: clinical testing. Allele origin: germline. Affected: yes. Observed: 2 variant alleles.

GeneDx
Classification: Pathogenic. Last evaluated: 2020-11-09. Review status: criteria provided, single submitter. Criteria: GeneDx Variant Classification Process June 2021. Collection method: clinical testing. Allele origin: germline. Affected: yes.
Comment: Not observed in large population cohorts (Lek et al., 2016); In silico analysis supports that this missense variant has a deleterious effect on protein structure/function; This variant is associated with the following publications: (PMID: 18391498, 16143553, 25486017, 16685650, 18627045, 15959873, 27194971, 15166289, 27650623)

Institute of Human Genetics Munich, TUM University Hospital
Classification: Pathogenic for Craniofrontonasal syndrome. Last evaluated: 2019-06-11. Review status: criteria provided, single submitter. Criteria: Classification criteria August 2017. Collection method: clinical testing. Allele origin: de novo. Inheritance: X-linked inheritance. Affected: yes. Observed: 1 heterozygote.

OMIM
Classification: Pathogenic for CRANIOFRONTONASAL SYNDROME. Last evaluated: 2004-06-08. Review status: no assertion criteria provided. Collection method: literature only. Allele origin: germline. Not counted in ClinVar's aggregate classification.

Literature cited by the submitters: PubMed 27194971 (cited by Dasa and Labcorp Genetics (formerly Invitae), Labcorp); PubMed 15166289 (cited by 3 submitters); PubMed 25486017 (cited by Labcorp Genetics (formerly Invitae), Labcorp).

NM_004429.5(EFNB1):c.451G>A (p.Gly151Ser)

Gene: EFNB1 (ephrin B1; plus strand). Cytogenetic location: Xq13.1.
Variant type: single nucleotide variant.
Coding change: c.451G>A on transcript NM_004429.5 (MANE Select); coding-DNA position 451, G replaced by A.
Protein change: p.Gly151Ser; replaces glycine 151 with serine.
Molecular consequence: missense variant.
Genome position (GRCh38, 1-based): chrX:68,839,708, G>A. VCF-style: chrX-68839708-G-A. GRCh37 (hg19) VCF-style: chrX-68059551-G-A.
Other names: short protein forms G151S.
Identifiers: ClinVar variation 11709 (VCV000011709.17), dbSNP rs28936069, ClinGen allele CA121634.
Genomic context (GRCh38, chrX:68,839,708, plus strand): 5'-TGGCCTCTTCCTGCAGCAACATCCAATGGAAGCCTGGAGGGGCTGGAAAACCGGGAGGGC[G>A]GTGTGTGCCGCACACGCACCATGAAGATCATCATGAAGGTTGGGCAAGGTGAGTGCCTAG-3'
Protein context (NP_004420.1, residues 141-161): SLEGLENREG[Gly151Ser]VCRTRTMKII